The following is an entry in ClinVar:

ClinVar aggregate classification (germline): Uncertain significance (1 of 4 stars; one submission).

Conditions:
Pityriasis rubra pilaris (PRP). Also called: Pityriasis rubra pilaris--familial type. Identifiers: Orphanet 2897, MedGen C0032027, MONDO:0100017, OMIM 173200, MONDO:0008251.
Psoriasis 2. Identifiers: MedGen C1864497, MONDO:0011269, OMIM 602723.

Allele frequency attached by ClinVar (database versions not stated): ExAC 0.00001; gnomAD 0.00001; gnomAD exomes 0.00001 and 0.00002; TOPMed 0.00001.
gnomAD v4.1: 26 of 1,612,848 alleles (0.0016%); highest among the groups gnomAD compares: South Asian, 0.015%; no homozygotes.

Submission:

Labcorp Genetics (formerly Invitae), Labcorp
Classification: Uncertain significance for Pityriasis rubra pilaris; Psoriasis 2. Last evaluated: 2019-02-03. Review status: criteria provided, single submitter. Criteria: Invitae Variant Classification Sherloc (09022015). Collection method: clinical testing. Allele origin: germline.
Comment: In summary, the available evidence is currently insufficient to determine the role of this variant in disease. Therefore, it has been classified as a Variant of Uncertain Significance. Algorithms developed to predict the effect of missense changes on protein structure and function are either unavailable or do not agree on the potential impact of this missense change (SIFT: "Deleterious"; PolyPhen-2: "Possibly Damaging"; Align-GVGD: "Class C0"). This variant has not been reported in the literature in individuals with CARD14-related conditions. This variant is present in population databases (rs762839447, ExAC 0.01%). This sequence change replaces alanine with threonine at codon 608 of the CARD14 protein (p.Ala608Thr). The alanine residue is highly conserved and there is a small physicochemical difference between alanine and threonine.

NM_001366385.1(CARD14):c.1822G>A (p.Ala608Thr)

Gene: CARD14 (caspase recruitment domain family member 14; plus strand). Cytogenetic location: 17q25.3.
Variant type: single nucleotide variant.
Coding change: c.1822G>A on transcript NM_001366385.1 (MANE Select); coding-DNA position 1822, G replaced by A.
Protein change: p.Ala608Thr; replaces alanine 608 with threonine.
Molecular consequence: missense variant. On other transcripts: non-coding transcript variant (1).
Genome position (GRCh38, 1-based): chr17:80,198,562, G>A. VCF-style: chr17-80198562-G-A. GRCh37 (hg19) VCF-style: chr17-78172361-G-A.
Other names: c.1822G>A, p.Ala608Thr (NM_024110.4, NM_001257970.1); c.1111G>A, p.Ala371Thr (NM_052819.3); short protein forms A608T, A371T.
Identifiers: ClinVar variation 845534 (VCV000845534.10), dbSNP rs762839447, ClinGen allele CA8817003.
Genomic context (GRCh38, chr17:80,198,562, plus strand): 5'-GGGAACCTCACGGGCATCTTCATCCACCGGGTCACCCCGGGCTCGGCGGCGGACCAGATG[G>A]CCTTGCGCCCGGGCACCCAGATTGTGATGGTGAGCCGTGCGAGGCCCCTCCTGTCCCCCG-3'
Protein context (NP_001353314.1, residues 598-618): VTPGSAADQM[Ala608Thr]LRPGTQIVMV